The following is an entry in ClinVar:

NM_022552.5(DNMT3A):c.1226G>A (p.Trp409Ter)

Gene: DNMT3A (DNA methyltransferase 3 alpha; minus strand). Cytogenetic location: 2p23.3.
Variant type: single nucleotide variant.
Coding change: c.1226G>A on transcript NM_022552.5 (MANE Select); coding-DNA position 1226, G replaced by A.
Protein change: p.Trp409Ter; replaces tryptophan 409 with a stop codon.
Molecular consequence: nonsense. On other transcripts: non-coding transcript variant (1).
Genome position (GRCh38, 1-based): chr2:25,246,673, C>T on the plus strand (G>A on the coding strand, the complement: DNMT3A is on the minus strand). VCF-style: chr2-25246673-C-T. GRCh37 (hg19) VCF-style: chr2-25469542-C-T.
Other names: c.770G>A, p.Trp257Ter (NM_001320893.1); c.557G>A, p.Trp186Ter (NM_001375819.1); c.659G>A, p.Trp220Ter (NM_153759.3); c.1226G>A, p.Trp409Ter (NM_175629.2); short protein forms W257*, W186*, W220*, W409*.
Identifiers: ClinVar variation 5035543 (VCV005035543.1).

ClinVar aggregate classification (germline): Pathogenic (1 of 4 stars; one submission).

Conditions:
Inborn genetic diseases. Identifiers: MedGen C0950123, MeSH D030342.

Submission:

Ambry Genetics
Classification: Pathogenic for Inborn genetic diseases. Last evaluated: 2026-09-04. Review status: criteria provided, single submitter. Criteria: Ambry Variant Classification Scheme 2023. Collection method: clinical testing. Allele origin: germline.
Comment: The c.1226G>A (p.W409*) alteration, located in exon 10 (coding exon 9) of the DNMT3A gene, consists of a G to A substitution at nucleotide position 1226. This changes the amino acid from a tryptophan (W) to a stop codon at amino acid position 409. This variant is expected to result in loss of function by premature protein truncation or nonsense-mediated mRNA decay. for autosomal dominant Tatton-Brown-Rahman syndrome; however, it is unlikely to be causative of autosomal dominant Heyn-Sproul-Jackson syndrome. This variant was not reported in population-based cohorts in the Genome Aggregation Database (gnomAD). Based on the available evidence, this alteration is classified as pathogenic.